The following is an entry in ClinVar:

GRCh38/hg38 4p16.3-15.33(chr4:68454-12774004)x1

Genes: ABLIM2 (actin binding LIM protein family member 2; minus strand), ACOX3 (acyl-CoA oxidase 3, pristanoyl; minus strand), ADD1 (adducin 1; plus strand), ADRA2C (adrenoceptor alpha 2C; plus strand), AFAP1 (actin filament associated protein 1; minus strand) and 578 more. Cytogenetic location: 4p16.3-15.33.
Variant type: copy number loss.
Change: copy number 1 (one copy instead of two) of chr4:68,454-12,774,004 (12.71 Mb, GRCh38 coordinates, 1-based), cytogenetic band 4p16.3-15.33.
Identifiers: ClinVar variation 4796162 (VCV004796162.1).

ClinVar aggregate classification (germline): Pathogenic (1 of 4 stars; one submission).

Submission:

Medical Genetic Center, Changzhi Maternal and Child Health Care Hospital
Classification: Pathogenic. Last evaluated: 2025-12-10. Review status: criteria provided, single submitter. Criteria: ACMG/ClinGen CNV Guidelines, 2019. Collection method: clinical testing. Allele origin: unknown.
Comment: 2A:4p16.3 terminal (Wolf-Hirschhorn syndrome) region